The following is an entry in ClinVar:

ClinVar aggregate classification (germline): Uncertain significance (1 of 4 stars; one submission).

gnomAD v4.1: 1 of 1,614,110 alleles (0.000062%); highest among the groups gnomAD compares: Non-Finnish European, 0.000085%; no homozygotes.

Submission:

Ambry Genetics
Classification: Uncertain significance. Last evaluated: 2024-01-20. Review status: criteria provided, single submitter. Criteria: Ambry Variant Classification Scheme 2023. Collection method: clinical testing. Allele origin: germline.
Comment: The p.V113F variant (also known as c.337G>T), located in coding exon 3 of the A2ML1 gene, results from a G to T substitution at nucleotide position 337. The valine at codon 113 is replaced by phenylalanine, an amino acid with highly similar properties. This amino acid position is conserved. In addition, the in silico prediction for this alteration is inconclusive. Based on the available evidence, the clinical significance of this alteration remains unclear.

NM_144670.6(A2ML1):c.337G>T (p.Val113Phe)

Genes: A2ML1 (alpha-2-macroglobulin like 1; plus strand), A2ML1-AS1 (A2ML1 antisense RNA 1; minus strand). Cytogenetic location: 12p13.31.
Variant type: single nucleotide variant.
Coding change: c.337G>T on transcript NM_144670.6 (MANE Select); coding-DNA position 337, G replaced by T.
Protein change: p.Val113Phe; replaces valine 113 with phenylalanine.
Molecular consequence: missense variant.
Genome position (GRCh38, 1-based): chr12:8,823,810, G>T. VCF-style: chr12-8823810-G-T. GRCh37 (hg19) VCF-style: chr12-8976406-G-T.
Other names: short protein forms V113F.
Identifiers: ClinVar variation 3229202 (VCV003229202.1), dbSNP rs2539174413, ClinGen allele CA383819192.
Genomic context (GRCh38, chr12:8,823,810, plus strand): 5'-GTGGCCACAATCCGGGTGTCGGGAGTTGGAAATAACATCAGCTTTGAGGAGAAGAAAAAG[G>T]TTCTAATTCAGAGGCAGGGGAACGGCACCTTTGTACAGACTGACAAACCTCTCTACACCC-3'
Protein context (NP_653271.3, residues 103-123): NNISFEEKKK[Val113Phe]LIQRQGNGTF